The following is an entry in ClinVar:

ClinVar aggregate classification (germline): Uncertain significance. Review status: criteria provided, multiple submitters, no conflicts (2 of 4 stars). 4 submissions from 4 submitters: Uncertain significance (4). Last evaluated 2025-11-18.

Conditions:
Frasier syndrome. Identifiers: Orphanet 347, MedGen C0950122, MeSH D052159, MONDO:0007635, OMIM 136680.
Wilms tumor 1 (WT1). Also called: Wilms tumor, somatic. Identifiers: Orphanet 654, MedGen CN033288, MONDO:0008679, OMIM 194070.
11p partial monosomy syndrome (WAGR). Also called: WAGR Complex; WAGR syndrome; WAGR Spectrum Disorder; CHROMOSOME 11p13 DELETION SYNDROME. Identifiers: Orphanet 893, MedGen C0206115, MONDO:0008681, OMIM 194072.
Drash syndrome (DDS). Also called: NEPHROPATHY, WILMS TUMOR, AND GENITAL ANOMALIES; WILMS TUMOR AND PSEUDO- OR TRUE HERMAPHRODITISM. Identifiers: Orphanet 220, MedGen C0950121, MONDO:0008682, OMIM 194080.
Inborn genetic diseases. Identifiers: MedGen C0950123, MeSH D030342.
Meacham syndrome. Also called: Meacham Winn Culler syndrome. Identifiers: Orphanet 3097, MedGen C1837026, MONDO:0012164, OMIM 608978.
Nephrotic syndrome, type 4 (NPHS4). Also called: Familial mesangial sclerosis; Nephrotic syndrome, early onset with diffuse mesangial sclerosis. Identifiers: Orphanet 656, MedGen C3151568, MONDO:0009733, OMIM 256370.
Mesothelioma, malignant (MESOM). Also called: Malignant mesothelioma (disease). Identifiers: Orphanet 50251, MedGen C0345967, MONDO:0006292, OMIM 156240, HP:0100001.

Allele frequency attached by ClinVar (database versions not stated): gnomAD exomes below 0.00001; ExAC 0.00001; gnomAD 0.00001; TOPMed 0.00001; ESP Exome Variant Server 0.00008.

Submissions (4):

Ambry Genetics
Classification: Uncertain significance for Inborn genetic diseases. Last evaluated: 2025-11-18. Review status: criteria provided, single submitter. Criteria: Ambry Variant Classification Scheme 2023. Collection method: clinical testing. Allele origin: germline.
Comment: The p.G216D variant (also known as c.647G>A) is located in coding exon 2 of the WT1 gene. The glycine at codon 216 is replaced by aspartic acid, an amino acid with similar properties. This change occurs in the first base pair of coding exon 2. This amino acid position is highly conserved in available vertebrate species. In addition, this alteration is predicted to be deleterious by in silico analysis. Based on the available evidence, the clinical significance of this variant remains unclear.

Fulgent Genetics
Classification: Uncertain significance for Frasier syndrome; Mesothelioma, malignant; Wilms tumor 1; Drash syndrome; Nephrotic syndrome, type 4; Meacham syndrome. Last evaluated: 2024-05-14. Review status: criteria provided, single submitter. Criteria: ACMG Guidelines, 2015. Collection method: clinical testing. Allele origin: germline.

Labcorp Genetics (formerly Invitae), Labcorp
Classification: Uncertain significance for Wilms tumor 1; Drash syndrome; 11p partial monosomy syndrome; Frasier syndrome. Last evaluated: 2023-08-30. Review status: criteria provided, single submitter. Criteria: Invitae Variant Classification Sherloc (09022015). Collection method: clinical testing. Allele origin: germline.
Comment: This sequence change replaces glycine, which is neutral and non-polar, with aspartic acid, which is acidic and polar, at codon 216 of the WT1 protein (p.Gly216Asp). This variant is present in population databases (rs369444006, gnomAD 0.01%). This variant has not been reported in the literature in individuals affected with WT1-related conditions. ClinVar contains an entry for this variant (Variation ID: 584757). An algorithm developed to predict the effect of missense changes on protein structure and function (PolyPhen-2) suggests that this variant is likely to be disruptive. In summary, the available evidence is currently insufficient to determine the role of this variant in disease. Therefore, it has been classified as a Variant of Uncertain Significance.

Mendelics
Classification: Uncertain significance for Wilms tumor 1. Last evaluated: 2018-07-02. Review status: criteria provided, single submitter. Criteria: Mendelics Assertion Criteria 2017. Collection method: clinical testing. Allele origin: unknown.

NM_024426.6(WT1):c.662G>A (p.Gly221Asp)

Gene: WT1 (WT1 transcription factor; minus strand). Cytogenetic location: 11p13.
Variant type: single nucleotide variant.
Coding change: c.662G>A on transcript NM_024426.6 (MANE Select); coding-DNA position 662, G replaced by A.
Protein change: p.Gly221Asp; replaces glycine 221 with aspartic acid.
Molecular consequence: missense variant. On other transcripts: non-coding transcript variant (1).
Genome position (GRCh38, 1-based): chr11:32,428,619, C>T on the plus strand (G>A on the coding strand, the complement: WT1 is on the minus strand). VCF-style: chr11-32428619-C-T. GRCh37 (hg19) VCF-style: chr11-32450165-C-T.
Other names: c.662G>A, p.Gly221Asp (NM_000378.6, NM_001407044.1, NM_001407045.1 and 4 more transcripts); c.11G>A, p.Gly4Asp (NM_001198551.2, NM_001198552.2); c.-101G>A (NM_001407051.1); c.647G>A, p.Gly216Asp (NM_024425.2); c.647G>A (NM_024426.4); short protein forms G221D, G4D.
Identifiers: ClinVar variation 584757 (VCV000584757.13), dbSNP rs369444006, ClinGen allele CA065422.